The following is an entry in ClinVar:

ClinVar aggregate classification (germline): Uncertain significance (1 of 4 stars; one submission).

Conditions:
Hereditary cancer-predisposing syndrome. Also called: Hereditary Cancer Syndrome; Tumor predisposition; Hereditary neoplastic syndrome; Neoplastic Syndromes, Hereditary. Identifiers: Orphanet 140162, MedGen C0027672, MeSH D009386, MONDO:0015356.

Submission:

Ambry Genetics
Classification: Uncertain significance for Hereditary cancer-predisposing syndrome. Last evaluated: 2024-07-16. Review status: criteria provided, single submitter. Criteria: Ambry Variant Classification Scheme 2023. Collection method: clinical testing. Allele origin: germline.
Comment: The c.3647-5A>G intronic variant results from an A to G substitution 5 nucleotides upstream from coding exon 8 in the MSH6 gene. This nucleotide position is poorly conserved in available vertebrate species. In silico splice site analysis predicts that this alteration will not have any significant effect on splicing. Based on the available evidence, the clinical significance of this variant remains unclear.

NM_000179.3(MSH6):c.3647-5A>G

Gene: MSH6 (mutS homolog 6; plus strand). Cytogenetic location: 2p16.3.
Variant type: single nucleotide variant.
Coding change: c.3647-5A>G on transcript NM_000179.3 (MANE Select); 5 bases into the intron before coding-DNA position 3647, A replaced by G.
Molecular consequence: intron variant.
Genome position (GRCh38, 1-based): chr2:47,806,199, A>G. VCF-style: chr2-47806199-A-G. GRCh37 (hg19) VCF-style: chr2-48033338-A-G.
Other names: c.3647-5A>G (NM_001406809.1, NM_001406796.1, NM_001406808.1 and 1 more transcripts); c.2741-5A>G (NM_001406811.1, NM_001406814.1, NM_001281493.2 and 6 more transcripts); c.3350-5A>G (NM_001406805.1, NM_001406797.1, NM_001406801.1 and 10 more transcripts); c.3743-5A>G (NM_001406795.1, NM_001406802.1); c.3653-5A>G (NM_001406813.1); c.3122-5A>G (NM_001406807.1, NM_001406799.1, NM_001406806.1); c.3473-5A>G (NM_001406798.1); c.2783-5A>G (NM_001406803.1); and 7 more.
Identifiers: ClinVar variation 3398869 (VCV003398869.1).